The following is an entry in ClinVar:

ClinVar aggregate classification (germline): Conflicting classifications of pathogenicity. Review status: criteria provided, conflicting classifications (1 of 4 stars). 3 submissions from 3 submitters: Uncertain significance (1); Likely benign (2). Last evaluated 2026-07-06.

Conditions:
Neurofibromatosis, type 1 (NF1). Also called: NEUROFIBROMATOSIS, TYPE I, SOMATIC; Neurofibromatosis, type I; VON RECKLINGHAUSEN DISEASE; Peripheral type neurofibromatosis. Identifiers: Orphanet 636, MedGen C0027831, MONDO:0018975, OMIM 162200. Disease mechanism: loss of function.
Hereditary cancer-predisposing syndrome. Also called: Tumor predisposition; Hereditary neoplastic syndrome; Neoplastic Syndromes, Hereditary; Hereditary Cancer Syndrome. Identifiers: Orphanet 140162, MedGen C0027672, MeSH D009386, MONDO:0015356.
Cardiovascular phenotype. Identifiers: MedGen CN230736.

Allele frequency attached by ClinVar (database versions not stated): gnomAD exomes 0.00001 and below 0.00001; TOPMed below 0.00001; ExAC 0.00001; gnomAD 0.00002.
gnomAD v4.1: 9 of 1,583,744 alleles (0.00057%); highest among the groups gnomAD compares: Non-Finnish European, 0.00077%; no homozygotes.

Submissions (3):

Ambry Genetics
Classification: Uncertain significance for Cardiovascular phenotype; Hereditary cancer-predisposing syndrome. Last evaluated: 2026-07-06. Review status: criteria provided, single submitter. Criteria: Ambry Variant Classification Scheme 2023. Collection method: clinical testing. Allele origin: germline.
Comment: The p.F578L variant (also known as c.1734T>G), located in coding exon 15 of the NF1 gene, results from a T to G substitution at nucleotide position 1734. The phenylalanine at codon 578 is replaced by leucine, an amino acid with highly similar properties. This amino acid position is conserved. In addition, this alteration is predicted to be tolerated by in silico analysis. Based on the available evidence, the clinical significance of this variant remains unclear.

Labcorp Genetics (formerly Invitae), Labcorp
Classification: Likely benign for Neurofibromatosis, type 1. Last evaluated: 2025-07-30. Review status: criteria provided, single submitter. Criteria: Invitae Variant Classification Sherloc (09022015). Collection method: clinical testing. Allele origin: germline.

Blueprint Genetics
Classification: Likely benign. Last evaluated: 2024-09-23. Review status: criteria provided, single submitter. Criteria: ACMG Guidelines, 2015. Collection method: clinical testing. Allele origin: germline.

NM_001042492.3(NF1):c.1721+13T>G

Gene: NF1 (neurofibromin 1; plus strand). Cytogenetic location: 17q11.2.
Variant type: single nucleotide variant.
Coding change: c.1721+13T>G on transcript NM_001042492.3 (MANE Select); 13 bases into the intron after coding-DNA position 1721, T replaced by G.
Molecular consequence: intron variant. On other transcripts: missense variant (1).
Genome position (GRCh38, 1-based): chr17:31,221,942, T>G. VCF-style: chr17-31221942-T-G. GRCh37 (hg19) VCF-style: chr17-29548960-T-G.
Other names: c.1734T>G (NM_001128147.2); c.1734T>G, p.Phe578Leu (NM_001128147.3); c.1721+13T>G (NM_000267.4); short protein forms F578L.
Identifiers: ClinVar variation 1596083 (VCV001596083.10), dbSNP rs777025327, ClinGen allele CA8485827.